The following is an entry in ClinVar:

NM_004183.4(BEST1):c.1246A>C (p.Lys416Gln)

Gene: BEST1 (bestrophin 1; plus strand). Cytogenetic location: 11q12.3.
Variant type: single nucleotide variant.
Coding change: c.1246A>C on transcript NM_004183.4 (MANE Select); coding-DNA position 1246, A replaced by C.
Protein change: p.Lys416Gln; replaces lysine 416 with glutamine.
Molecular consequence: missense variant. On other transcripts: non-coding transcript variant (1).
Genome position (GRCh38, 1-based): chr11:61,962,400, A>C. VCF-style: chr11-61962400-A-C. GRCh37 (hg19) VCF-style: chr11-61729872-A-C.
Other names: c.1066A>C, p.Lys356Gln (NM_001139443.3, NM_001300787.2); c.985A>C, p.Lys329Gln (NM_001300786.2); c.928A>C, p.Lys310Gln (NM_001363591.3); c.*141A>C (NM_001363592.2); c.274A>C, p.Lys92Gln (NM_001363593.3); c.1246A>C (NM_004183.3); short protein forms K92Q, K310Q, K329Q, K356Q, K416Q.
Identifiers: ClinVar variation 3680774 (VCV003680774.3).

ClinVar aggregate classification (germline): Uncertain significance. Review status: criteria provided, multiple submitters, no conflicts (2 of 4 stars). 2 submissions from 2 submitters: Uncertain significance (2). Last evaluated 2025-08-07.

Conditions:
Inborn genetic diseases. Identifiers: MedGen C0950123, MeSH D030342.

gnomAD v4.1: 1 of 1,614,220 alleles (0.000062%); highest among the groups gnomAD compares: South Asian, 0.0011%; no homozygotes.

Submissions (2):

Ambry Genetics
Classification: Uncertain significance for Inborn genetic diseases. Last evaluated: 2025-08-07. Review status: criteria provided, single submitter. Criteria: Ambry Variant Classification Scheme 2023. Collection method: clinical testing. Allele origin: germline.

Labcorp Genetics (formerly Invitae), Labcorp
Classification: Uncertain significance. Last evaluated: 2024-06-09. Review status: criteria provided, single submitter. Criteria: Invitae Variant Classification Sherloc (09022015). Collection method: clinical testing. Allele origin: germline.
Comment: This sequence change replaces lysine, which is basic and polar, with glutamine, which is neutral and polar, at codon 416 of the BEST1 protein (p.Lys416Gln). This variant is not present in population databases (gnomAD no frequency). This variant has not been reported in the literature in individuals affected with BEST1-related conditions. Advanced modeling of protein sequence and biophysical properties (such as structural, functional, and spatial information, amino acid conservation, physicochemical variation, residue mobility, and thermodynamic stability) has been performed at Invitae for this missense variant, however the output from this modeling did not meet the statistical confidence thresholds required to predict the impact of this variant on BEST1 protein function. In summary, the available evidence is currently insufficient to determine the role of this variant in disease. Therefore, it has been classified as a Variant of Uncertain Significance.